The following is an entry in ClinVar:

ClinVar aggregate classification (germline): Likely pathogenic (0 of 4 stars; one submission).

Conditions:
Ehlers-Danlos syndrome, type 4 (EDSVASC). Also called: Ehlers-Danlos syndrome vascular type; Ehlers Danlos syndrome, ecchymotic type; Ehlers Danlos syndrome, arterial type; Ehlers Danlos syndrome, Sack-Barabas type; Ehlers-Danlos Syndrome Type IV. Identifiers: Orphanet 286, MedGen C0268338, MONDO:0017314, OMIM 130050.

Submission:

deCODE genetics, Amgen
Classification: Likely pathogenic for Ehlers-Danlos syndrome, type 4. Last evaluated: 2023-07-21. Review status: no assertion criteria provided. Collection method: research. Allele origin: germline. Affected: yes. Observed: 1 variant allele.
Comment: The variant NM_000090.4:c.1138C>T (chr2:188993448) in COL3A1 was detected in 1 heterozygote out of 58K WGS Icelanders (MAF= 0,001%). This variant has not been reported in ClinVar previously. Based on ACMG criteria (PVS1, PM2) this variant classifies as likely pathogenic.

NM_000090.4(COL3A1):c.1138C>T (p.Gln380Ter)

Gene: COL3A1 (collagen type III alpha 1 chain; plus strand). Cytogenetic location: 2q32.2.
Variant type: single nucleotide variant.
Coding change: c.1138C>T on transcript NM_000090.4 (MANE Select); coding-DNA position 1138, C replaced by T.
Protein change: p.Gln380Ter; replaces glutamine 380 with a stop codon.
Molecular consequence: nonsense.
Genome position (GRCh38, 1-based): chr2:188,993,448, C>T. VCF-style: chr2-188993448-C-T. GRCh37 (hg19) VCF-style: chr2-189858174-C-T.
Other names: short protein forms Q380*.
Identifiers: ClinVar variation 2574096 (VCV002574096.1), dbSNP rs1688231158, ClinGen allele CA349851060.